The following is an entry in ClinVar:

ClinVar aggregate classification (germline): Uncertain significance (1 of 4 stars; one submission).

Conditions:
Intellectual developmental disorder, autosomal dominant 1. Also called: MBD5 Haploinsufficiency; Intellectual disability, autosomal dominant 1. Identifiers: Orphanet 228402, MedGen C1969562, MONDO:0007974, OMIM 156200.

Submission:

Labcorp Genetics (formerly Invitae), Labcorp
Classification: Uncertain significance for Intellectual developmental disorder, autosomal dominant 1. Last evaluated: 2025-09-17. Review status: criteria provided, single submitter. Criteria: Invitae Variant Classification Sherloc (09022015). Collection method: clinical testing. Allele origin: germline.
Comment: This sequence change replaces methionine, which is neutral and non-polar, with isoleucine, which is neutral and non-polar, at codon 795 of the MBD5 protein (p.Met795Ile). This variant is not present in population databases (gnomAD no frequency). This variant has not been reported in the literature in individuals affected with MBD5-related conditions. Invitae Evidence Modeling of protein sequence and biophysical properties (such as structural, functional, and spatial information, amino acid conservation, physicochemical variation, residue mobility, and thermodynamic stability) indicates that this missense variant is not expected to disrupt MBD5 protein function with a negative predictive value of 80%. In summary, the available evidence is currently insufficient to determine the role of this variant in disease. Therefore, it has been classified as a Variant of Uncertain Significance.

NM_001378120.1(MBD5):c.2385G>C (p.Met795Ile)

Gene: MBD5 (methyl-CpG binding domain protein 5; plus strand). Cytogenetic location: 2q23.1.
Variant type: single nucleotide variant.
Coding change: c.2385G>C on transcript NM_001378120.1 (MANE Select); coding-DNA position 2385, G replaced by C.
Protein change: p.Met795Ile; replaces methionine 795 with isoleucine.
Molecular consequence: missense variant.
Genome position (GRCh38, 1-based): chr2:148,470,328, G>C. VCF-style: chr2-148470328-G-C. GRCh37 (hg19) VCF-style: chr2-149227897-G-C.
Other names: c.2385G>C, p.Met795Ile (NM_001438854.1, NM_001438855.1, NM_001438856.1 and 7 more transcripts); short protein forms M795I.
Identifiers: ClinVar variation 4804413 (VCV004804413.1).
Genomic context (GRCh38, chr2:148,470,328, plus strand): 5'-CCCCAACCACCATCTTGCAGGTTTAATAAATCAGATTCAGGCTAGCGGGAACTGTGGGAT[G>C]CTCAGTCAGTCGGGCATGGCTTTAGGAAATTCCTTACATCCCAATCCACCTCAGTCAAGA-3'
Protein context (NP_001365049.1, residues 785-805): NQIQASGNCG[Met795Ile]LSQSGMALGN